The following is an entry in ClinVar:

ClinVar aggregate classification (germline): Pathogenic/Likely pathogenic. Review status: criteria provided, multiple submitters, no conflicts (2 of 4 stars). 3 submissions from 3 submitters: Pathogenic (2); Likely pathogenic (1). Last evaluated 2025-11-01.

Conditions:
LZTR1-related disorder. Also called: LZTR1-related disorders; LZTR1-related condition.
LZTR1-related schwannomatosis. Also called: Schwannomatosis 2; Schwannomatosis-2, susceptibility to. Identifiers: Orphanet 93921, MedGen C3810283, MONDO:0014299, OMIM 615670.

Allele frequency attached by ClinVar (database versions not stated): TOPMed below 0.00001.
gnomAD v4.1: 2 of 1,597,150 alleles (0.00013%); highest among the groups gnomAD compares: Non-Finnish European, 0.00017%; no homozygotes.

Submissions (3):

CeGaT Center for Human Genetics Tuebingen
Classification: Pathogenic. Last evaluated: 2025-11-01. Review status: criteria provided, single submitter. Criteria: CeGaT Center For Human Genetics Tuebingen Variant Classification Criteria Version 2. Collection method: clinical testing. Allele origin: germline. Affected: yes. Observed: 1 variant allele.
Comment: LZTR1: PVS1, PM2

PreventionGenetics, part of Exact Sciences
Classification: Pathogenic for LZTR1-related condition. Last evaluated: 2022-12-27. Review status: criteria provided, single submitter. Criteria: ACMG Guidelines, 2015. Collection method: clinical testing. Allele origin: germline.
Comment: The LZTR1 c.1615+2T>C variant is predicted to disrupt the GT donor site and interfere with normal splicing. To our knowledge, this variant has not been reported in the literature. This variant is reported in 1 of ~230,000 alleles in gnomAD. Variants that disrupt the consensus splice donor site in LZTR1 are expected to be pathogenic. This variant is interpreted as pathogenic.

Baylor Genetics
Classification: Likely pathogenic for LZTR1-related schwannomatosis. Last evaluated: 2022-12-23. Review status: criteria provided, single submitter. Criteria: ACMG Guidelines, 2015. Collection method: clinical testing. Allele origin: unknown.

NM_006767.4(LZTR1):c.1615+2T>C

Gene: LZTR1 (leucine zipper like post translational regulator 1; plus strand). Cytogenetic location: 22q11.21.
Variant type: single nucleotide variant.
Coding change: c.1615+2T>C on transcript NM_006767.4 (MANE Select); the canonical splice donor site of the intron after coding-DNA position 1615, T replaced by C.
Molecular consequence: splice donor variant.
Genome position (GRCh38, 1-based): chr22:20,994,271, T>C. VCF-style: chr22-20994271-T-C. GRCh37 (hg19) VCF-style: chr22-21348560-T-C.
Identifiers: ClinVar variation 2629918 (VCV002629918.7), dbSNP rs1180748005, ClinGen allele CA410776306.